The following is an entry in ClinVar:

NM_000260.4(MYO7A):c.5228G>A (p.Arg1743Gln)

Gene: MYO7A (myosin VIIA; plus strand). Cytogenetic location: 11q13.5.
Variant type: single nucleotide variant.
Coding change: c.5228G>A on transcript NM_000260.4 (MANE Select); coding-DNA position 5228, G replaced by A.
Protein change: p.Arg1743Gln; replaces arginine 1743 with glutamine.
Molecular consequence: missense variant.
Genome position (GRCh38, 1-based): chr11:77,203,119, G>A. VCF-style: chr11-77203119-G-A. GRCh37 (hg19) VCF-style: chr11-76914164-G-A.
Other names: c.5114G>A, p.Arg1705Gln (NM_001127180.2); c.5081G>A, p.Arg1694Gln (NM_001369365.1); short protein forms R1743Q, R1694Q, R1705Q.
Identifiers: ClinVar variation 849108 (VCV000849108.7), dbSNP rs778250602, ClinGen allele CA6198651.

ClinVar aggregate classification (germline): Uncertain significance. Review status: criteria provided, single submitter (1 of 4 stars). 2 submissions from 2 submitters: Uncertain significance (1). 1 of the submissions does not count toward it. Last evaluated 2025-11-12.

Conditions:
Usher syndrome type 1B (USH1B). Also called: Usher syndrome type IB. Identifiers: MedGen C1848638, MONDO:0700087.

Allele frequency attached by ClinVar (database versions not stated): gnomAD 0.00001; gnomAD exomes 0.00001 and 0.00004; TOPMed 0.00002; ExAC 0.00011; 1000 Genomes Project 30x 0.00031.
gnomAD v4.1: 21 of 1,549,818 alleles (0.0014%); highest among the groups gnomAD compares: South Asian, 0.011%; no homozygotes.

Submissions (2):

Labcorp Genetics (formerly Invitae), Labcorp
Classification: Uncertain significance. Last evaluated: 2025-11-12. Review status: criteria provided, single submitter. Criteria: Invitae Variant Classification Sherloc (09022015). Collection method: clinical testing. Allele origin: germline.
Comment: This sequence change replaces arginine, which is basic and polar, with glutamine, which is neutral and polar, at codon 1743 of the MYO7A protein (p.Arg1743Gln). This variant is present in population databases (rs778250602, gnomAD 0.01%). This variant has not been reported in the literature in individuals affected with MYO7A-related conditions. ClinVar contains an entry for this variant (Variation ID: 849108). Invitae Evidence Modeling of protein sequence and biophysical properties (such as structural, functional, and spatial information, amino acid conservation, physicochemical variation, residue mobility, and thermodynamic stability) indicates that this missense variant is not expected to disrupt MYO7A protein function with a negative predictive value of 95%. In summary, the available evidence is currently insufficient to determine the role of this variant in disease. Therefore, it has been classified as a Variant of Uncertain Significance.

Natera, Inc.
Classification: Uncertain significance for Usher syndrome type 1B. Last evaluated: 2020-02-13. Review status: no assertion criteria provided. Collection method: clinical testing. Allele origin: germline. Not counted in ClinVar's aggregate classification.